The following is an entry in ClinVar:

ClinVar aggregate classification (germline): Likely benign. Review status: criteria provided, multiple submitters, no conflicts (2 of 4 stars). 2 submissions from 2 submitters: Likely benign (2). Last evaluated 2025-11-18.

Conditions:
Lethal congenital glycogen storage disease of heart. Also called: GLYCOGEN STORAGE DISEASE OF HEART; PHOSPHORYLASE KINASE DEFICIENCY OF HEART. Identifiers: Orphanet 439854, MedGen C1849813, MONDO:0009867, OMIM 261740.

Allele frequency attached by ClinVar (database versions not stated): gnomAD 0.00001; TOPMed 0.00002; ExAC 0.00003.
gnomAD v4.1: 11 of 1,613,574 alleles (0.00068%); highest among the groups gnomAD compares: Admixed American, 0.015%; no homozygotes.

Submissions (2):

Labcorp Genetics (formerly Invitae), Labcorp
Classification: Likely benign for Lethal congenital glycogen storage disease of heart. Last evaluated: 2025-11-18. Review status: criteria provided, single submitter. Criteria: Invitae Variant Classification Sherloc (09022015). Collection method: clinical testing. Allele origin: germline.

GeneDx
Classification: Likely benign. Last evaluated: 2017-07-10. Review status: criteria provided, single submitter. Criteria: GeneDx Variant Classification (06012015). Collection method: clinical testing. Allele origin: germline. Affected: yes.
Comment: This variant is considered likely benign or benign based on one or more of the following criteria: it is a conservative change, it occurs at a poorly conserved position in the protein, it is predicted to be benign by multiple in silico algorithms, and/or has population frequency not consistent with disease.

NM_016203.4(PRKAG2):c.1005+11C>T

Gene: PRKAG2 (protein kinase AMP-activated non-catalytic subunit gamma 2; minus strand). Cytogenetic location: 7q36.1.
Variant type: single nucleotide variant.
Coding change: c.1005+11C>T on transcript NM_016203.4 (MANE Select); 11 bases into the intron after coding-DNA position 1005, C replaced by T.
Molecular consequence: intron variant.
Genome position (GRCh38, 1-based): chr7:151,574,880, G>A on the plus strand (C>T on the coding strand, the complement: PRKAG2 is on the minus strand). VCF-style: chr7-151574880-G-A. GRCh37 (hg19) VCF-style: chr7-151271966-G-A.
Other names: c.873+11C>T (NM_001040633.2); c.630+11C>T (NM_001304527.2); c.633+11C>T (NM_001363698.2); c.282+11C>T (NM_001304531.2, NM_024429.2).
Identifiers: ClinVar variation 510568 (VCV000510568.5), dbSNP rs776445450, ClinGen allele CA052897.